The following is an entry in ClinVar:

NM_173842.3(IL1RN):c.68C>T (p.Thr23Met)

Gene: IL1RN (interleukin 1 receptor antagonist; plus strand). Cytogenetic location: 2q14.1.
Variant type: single nucleotide variant.
Coding change: c.68C>T on transcript NM_173842.3 (MANE Select); coding-DNA position 68, C replaced by T.
Protein change: p.Thr23Met; replaces threonine 23 with methionine.
Molecular consequence: missense variant. On other transcripts: 5 prime UTR variant (3).
Genome position (GRCh38, 1-based): chr2:113,127,692, C>T. VCF-style: chr2-113127692-C-T. GRCh37 (hg19) VCF-style: chr2-113885269-C-T.
Other names: c.14C>T, p.Thr5Met (NM_000577.5); c.-35C>T (NM_001318914.2, NM_001379360.1, NM_173843.3); c.77C>T, p.Thr26Met (NM_173841.3); short protein forms T23M, T26M, T5M.
Identifiers: ClinVar variation 827981 (VCV000827981.8), dbSNP rs55860727, ClinGen allele CA1838751.

ClinVar aggregate classification (germline): Uncertain significance. Review status: criteria provided, multiple submitters, no conflicts (2 of 4 stars). 4 submissions from 3 submitters: Uncertain significance (4). Last evaluated 2024-01-04.

Conditions:
Sterile multifocal osteomyelitis with periostitis and pustulosis. Also called: CHRONIC RECURRENT MULTIFOCAL OSTEOMYELITIS 2, WITH PERIOSTITIS AND PUSTULOSIS. Identifiers: Orphanet 210115, MedGen C2748507, MONDO:0013021, OMIM 612852.
Microvascular complications of diabetes, susceptibility to, 4. Identifiers: MedGen C2675112, MONDO:0012966, OMIM 612628.
Gastric cancer. Also called: Stomach cancer; Malignant tumor of stomach. Identifiers: MedGen C0024623, MeSH D013274, MONDO:0001056, OMIM 613659, HP:0012126.
Inborn genetic diseases. Identifiers: MedGen C0950123, MeSH D030342.

Allele frequency attached by ClinVar (database versions not stated): gnomAD 0.00004 and 0.00007; TOPMed 0.00005; gnomAD exomes 0.00008 and 0.00010; ExAC 0.00011; 1000 Genomes Project 30x 0.00031; 1000 Genomes Project 0.00040.
gnomAD v4.1: 121 of 1,614,134 alleles (0.0075%); highest among the groups gnomAD compares: South Asian, 0.033%; no homozygotes.

Submissions (4):

Ambry Genetics
Classification: Uncertain significance for Inborn genetic diseases. Last evaluated: 2024-01-04. Review status: criteria provided, single submitter. Criteria: Ambry Variant Classification Scheme 2023. Collection method: clinical testing. Allele origin: germline.

Labcorp Genetics (formerly Invitae), Labcorp
Classification: Uncertain significance for Sterile multifocal osteomyelitis with periostitis and pustulosis. Last evaluated: 2022-07-12. Review status: criteria provided, single submitter. Criteria: Invitae Variant Classification Sherloc (09022015). Collection method: clinical testing. Allele origin: germline.
Comment: This sequence change replaces threonine, which is neutral and polar, with methionine, which is neutral and non-polar, at codon 26 of the IL1RN protein (p.Thr26Met). This variant is present in population databases (rs55860727, gnomAD 0.04%). This variant has not been reported in the literature in individuals affected with IL1RN-related conditions. ClinVar contains an entry for this variant (Variation ID: 827981). Algorithms developed to predict the effect of missense changes on protein structure and function are either unavailable or do not agree on the potential impact of this missense change (SIFT: "Deleterious"; PolyPhen-2: "Possibly Damaging"; Align-GVGD: "Class C0"). In summary, the available evidence is currently insufficient to determine the role of this variant in disease. Therefore, it has been classified as a Variant of Uncertain Significance.

Center for Genomics, Ann and Robert H. Lurie Children's Hospital of Chicago
Classification: Uncertain significance for Sterile multifocal osteomyelitis with periostitis and pustulosis. Last evaluated: 2019-09-20. Review status: criteria provided, single submitter. Criteria: ACMG Guidelines, 2015. Collection method: clinical testing. Allele origin: germline.
Comment: IL1RN NM_173841.2 exon 3 p.Thr26Met (c.77C>T): This variant has not been reported in the literature, but is present in 0.04% (13/30616) of South Asian alleles in the Genome Aggregation Database. Evolutionary conservation and computational predictive tools for this variant are unclear. In summary, data on this variant is insufficient for disease classification. Therefore, the clinical significance of this variant is uncertain.

Center for Genomics, Ann and Robert H. Lurie Children's Hospital of Chicago
Classification: Uncertain significance for Gastric cancer; Microvascular complications of diabetes, susceptibility to, 4; Sterile multifocal osteomyelitis with periostitis and pustulosis. Review status: criteria provided, single submitter. Criteria: ACMG Guidelines, 2015. Collection method: clinical testing. Allele origin: germline.
Comment: the same text as in the submission from Center for Genomics, Ann and Robert H. Lurie Children's Hospital of Chicago above.